The following is an entry in ClinVar:

ClinVar aggregate classification (germline): Uncertain significance. Review status: criteria provided, multiple submitters, no conflicts (2 of 4 stars). 2 submissions from 2 submitters: Uncertain significance (2). Last evaluated 2026-01-11.

Conditions:
Primary ciliary dyskinesia. Also called: Ciliary dyskinesia. Identifiers: Orphanet 244, MedGen C0008780, MONDO:0016575, HP:0012265.

Allele frequency attached by ClinVar (database versions not stated): gnomAD 0.00015 and 0.00016; 1000 Genomes Project 30x 0.00016; TOPMed 0.00017; 1000 Genomes Project 0.00020; gnomAD exomes 0.00001 and 0.00003; ExAC 0.00002; ESP Exome Variant Server 0.00008.
gnomAD v4.1: 40 of 1,614,196 alleles (0.0025%); highest among the groups gnomAD compares: African/African-American, 0.047%; no homozygotes.

Submissions (2):

Labcorp Genetics (formerly Invitae), Labcorp
Classification: Uncertain significance for Primary ciliary dyskinesia. Last evaluated: 2026-01-11. Review status: criteria provided, single submitter. Criteria: Invitae Variant Classification Sherloc (09022015). Collection method: clinical testing. Allele origin: germline.
Comment: This sequence change replaces serine, which is neutral and polar, with leucine, which is neutral and non-polar, at codon 81 of the RSPH4A protein (p.Ser81Leu). This variant is present in population databases (rs371869815, gnomAD 0.05%). This variant has not been reported in the literature in individuals affected with RSPH4A-related conditions. ClinVar contains an entry for this variant (Variation ID: 454524). An algorithm developed to predict the effect of missense changes on protein structure and function outputs the following: PolyPhen-2: "Benign". The leucine amino acid residue is found in multiple mammalian species, which suggests that this missense change does not adversely affect protein function. In summary, the available evidence is currently insufficient to determine the role of this variant in disease. Therefore, it has been classified as a Variant of Uncertain Significance.

Ambry Genetics
Classification: Uncertain significance for Primary ciliary dyskinesia. Last evaluated: 2024-07-05. Review status: criteria provided, single submitter. Criteria: Ambry Variant Classification Scheme 2023. Collection method: clinical testing. Allele origin: germline.

NM_001010892.3(RSPH4A):c.242C>T (p.Ser81Leu)

Gene: RSPH4A (radial spoke head component 4A; plus strand). Cytogenetic location: 6q22.1.
Variant type: single nucleotide variant.
Coding change: c.242C>T on transcript NM_001010892.3 (MANE Select); coding-DNA position 242, C replaced by T.
Protein change: p.Ser81Leu; replaces serine 81 with leucine.
Molecular consequence: missense variant.
Genome position (GRCh38, 1-based): chr6:116,616,865, C>T. VCF-style: chr6-116616865-C-T. GRCh37 (hg19) VCF-style: chr6-116938028-C-T.
Other names: c.242C>T, p.Ser81Leu (NM_001161664.2); short protein forms S81L.
Identifiers: ClinVar variation 454524 (VCV000454524.10), dbSNP rs371869815, ClinGen allele CA3970726.
Genomic context (GRCh38, chr6:116,616,865, plus strand): 5'-GGAGCCCGCAGTCTAGAGCCAAGACGCCTCTGGGTGGCCCCGCGGGACCAGAAACATCAT[C>T]ACCTGCTCCTGTCTCTCCGCGGGAGCCCTCTTCCTCTCCTTCTCCCCTGGCTCCGGCCAG-3'
Protein context (NP_001010892.1, residues 71-91): LGGPAGPETS[Ser81Leu]PAPVSPREPS